The following is an entry in ClinVar:

ClinVar aggregate classification (germline): Uncertain significance (1 of 4 stars; one submission).

Conditions:
Hereditary diffuse gastric adenocarcinoma (HDGC). Also called: DIFFUSE GASTRIC AND LOBULAR BREAST CANCER SYNDROME. Identifiers: Orphanet 26106, MedGen C1708349, MONDO:0007648, OMIM 137215.

Submission:

Labcorp Genetics (formerly Invitae), Labcorp
Classification: Uncertain significance for Hereditary diffuse gastric adenocarcinoma. Last evaluated: 2021-05-28. Review status: criteria provided, single submitter. Criteria: Invitae Variant Classification Sherloc (09022015). Collection method: clinical testing. Allele origin: germline.
Comment: In summary, the available evidence is currently insufficient to determine the role of this variant in disease. Therefore, it has been classified as a Variant of Uncertain Significance. Algorithms developed to predict the effect of missense changes on protein structure and function (SIFT, PolyPhen-2, Align-GVGD) all suggest that this variant is likely to be tolerated, but these predictions have not been confirmed by published functional studies and their clinical significance is uncertain. This variant has not been reported in the literature in individuals with CDH1-related conditions. This variant is not present in population databases (ExAC no frequency). This sequence change replaces threonine with alanine at codon 467 of the CDH1 protein (p.Thr467Ala). The threonine residue is weakly conserved and there is a small physicochemical difference between threonine and alanine.

NM_004360.5(CDH1):c.1399A>G (p.Thr467Ala)

Gene: CDH1 (cadherin 1; plus strand). Cytogenetic location: 16q22.1.
Variant type: single nucleotide variant.
Coding change: c.1399A>G on transcript NM_004360.5 (MANE Select); coding-DNA position 1399, A replaced by G.
Protein change: p.Thr467Ala; replaces threonine 467 with alanine.
Molecular consequence: missense variant. On other transcripts: 5 prime UTR variant (2).
Genome position (GRCh38, 1-based): chr16:68,815,593, A>G. VCF-style: chr16-68815593-A-G. GRCh37 (hg19) VCF-style: chr16-68849496-A-G.
Other names: c.1216A>G, p.Thr406Ala (NM_001317184.2); c.-150A>G (NM_001317185.2); c.-421A>G (NM_001317186.2); short protein forms T467A, T406A.
Identifiers: ClinVar variation 1430146 (VCV001430146.8), dbSNP rs1597897918, ClinGen allele CA396462906.
Genomic context (GRCh38, chr16:68,815,593, plus strand): 5'-AAGCAGCAGTACATTCTACACGTAGCAGTGACGAATGTGGTACCTTTTGAGGTCTCTCTC[A>G]CCACCTCCACAGCCACCGTCACCGTGGATGTGCTGGATGTGAATGAAGCCCCCATCTTTG-3'
Protein context (NP_004351.1, residues 457-477): TNVVPFEVSL[Thr467Ala]TSTATVTVDV